The following is an entry in ClinVar:

NM_022089.4(ATP13A2):c.2487del (p.Phe830fs)

Gene: ATP13A2 (ATPase cation transporting 13A2; minus strand). Cytogenetic location: 1p36.13.
Variant type: Deletion.
Coding change: c.2487del on transcript NM_022089.4 (MANE Select); coding-DNA position 2487, one base deleted (C; older notation c.2487delC).
Protein change: p.Phe830fs; shifts the reading frame from phenylalanine 830.
Molecular consequence: frameshift variant. On other transcripts: intron variant (1).
Genome position (GRCh38, 1-based): chr1:16,989,929, G deleted on the plus strand (C on the coding strand, the reverse complement: ATP13A2 is on the minus strand); the first of 2 consecutive G bases (chr1:16,989,929-16,989,930); deleting either gives the same sequence. VCF-style (leftmost placement, unchanged base first): chr1-16989928-AG-A. GRCh37 (hg19) VCF-style: chr1-17316423-AG-A.
Other names: c.2472del, p.Phe825fs (NM_001141973.3); c.2398-159del (NM_001141974.3); short protein forms F830fs, F825fs.
Identifiers: ClinVar variation 3131388 (VCV003131388.1), dbSNP rs2523076978, ClinGen allele CA2825000864.
Genomic context (GRCh38, chr1:16,989,928, plus strand): 5'-GAGCTGGGGGCGGCCCTACCTTGGGCAGCAGCTTGGGGAAGTGCTTCACAATGATACCAA[AG>A]GTGGGCCCGCTGAGGGCCAGGTGCCTGGATCGGGGGTCTGGCTCCACGGTGTAGCTTGCA-3'

ClinVar aggregate classification (germline): Pathogenic (1 of 4 stars; one submission).

Conditions:
Inborn genetic diseases. Identifiers: MedGen C0950123, MeSH D030342.

Submission:

Ambry Genetics
Classification: Pathogenic for Inborn genetic diseases. Last evaluated: 2024-02-21. Review status: criteria provided, single submitter. Criteria: Ambry Variant Classification Scheme 2023. Collection method: clinical testing. Allele origin: germline.
Comment: The c.2487delC (p.F830Lfs*5) alteration, located in exon 22 (coding exon 22) of the ATP13A2 gene, consists of a deletion of one nucleotide at position 2487, causing a translational frameshift with a predicted alternate stop codon after 5 amino acids. This alteration is expected to result in loss of function by premature protein truncation or nonsense-mediated mRNA decay. This variant was not reported in population-based cohorts in the Genome Aggregation Database (gnomAD). Based on the available evidence, this alteration is classified as pathogenic.